The following is an entry in ClinVar:

ClinVar aggregate classification (germline): Uncertain significance (1 of 4 stars; one submission).

Conditions:
Multiple endocrine neoplasia, type 2 (MEN2). Identifiers: Orphanet 653, MedGen C4048306, MONDO:0019003. Disease mechanism: gain of function.

Submission:

All of Us Research Program, National Institutes of Health
Classification: Uncertain significance for Multiple endocrine neoplasia, type 2. Last evaluated: 2023-06-08. Review status: criteria provided, single submitter. Criteria: ACMG Guidelines, 2015. Collection method: clinical testing. Allele origin: germline. Inheritance: Autosomal dominant inheritance. Observed: 1 variant allele, 1 heterozygote.
Comment: This missense variant replaces arginine with glycine at codon 234 of the RET protein. Computational prediction suggests that this variant may not impact protein structure and function (internally defined REVEL score threshold <= 0.5, PMID: 27666373). To our knowledge, functional studies have not been reported for this variant. This variant has not been reported in individuals affected with RET-related disorders in the literature. This variant has not been identified in the general population by the Genome Aggregation Database (gnomAD). The available evidence is insufficient to determine the role of this variant in disease conclusively. Therefore, this variant is classified as a Variant of Uncertain Significance.

This study involves interpretation of variants in research participants for the purpose of population health screening. Participant phenotype was not available at the time of variant classification. Additional details can be found in publication PMID: 35346344, PMCID: PMC8962531

NM_020975.6(RET):c.700C>G (p.Arg234Gly)

Gene: RET (ret proto-oncogene; plus strand). Cytogenetic location: 10q11.21.
Variant type: single nucleotide variant.
Coding change: c.700C>G on transcript NM_020975.6 (MANE Select); coding-DNA position 700, C replaced by G.
Protein change: p.Arg234Gly; replaces arginine 234 with glycine.
Molecular consequence: missense variant. On other transcripts: 5 prime UTR variant (1), intron variant (22).
Genome position (GRCh38, 1-based): chr10:43,105,026, C>G. VCF-style: chr10-43105026-C-G. GRCh37 (hg19) VCF-style: chr10-43600474-C-G.
Other names: c.700C>G, p.Arg234Gly (NM_000323.2, NM_001406743.1, NM_001406744.1 and 8 more transcripts); c.-63C>G (NM_001355216.2); c.571C>G, p.Arg191Gly (NM_001406761.1, NM_001406762.1, NM_001406764.1 and 2 more transcripts); c.412C>G, p.Arg138Gly (NM_001406766.1, NM_001406767.1, NM_001406770.1); c.625+2397C>G (NM_001406773.1, NM_001406771.1, NM_001406782.1 and 5 more transcripts); c.496+2397C>G (NM_001406786.1, NM_001406783.1); c.338-4005C>G (NM_001406778.1, NM_001406775.1, NM_001406776.1 and 1 more transcripts); c.337+4304C>G (NM_001406790.1, NM_001406788.1, NM_001406789.1 and 1 more transcripts); and 2 more; short protein forms R138G, R191G, R234G.
Identifiers: ClinVar variation 3071464 (VCV003071464.1), dbSNP rs2132704554, ClinGen allele CA376544607.